The following is an entry in ClinVar:

NM_006180.6(NTRK2):c.1396+4A>G

Gene: NTRK2 (neurotrophic receptor tyrosine kinase 2; plus strand). Cytogenetic location: 9q21.33.
Variant type: single nucleotide variant.
Coding change: c.1396+4A>G on transcript NM_006180.6 (MANE Select); 4 bases into the intron after coding-DNA position 1396, A replaced by G.
Molecular consequence: intron variant.
Genome position (GRCh38, 1-based): chr9:84,752,089, A>G. VCF-style: chr9-84752089-A-G. GRCh37 (hg19) VCF-style: chr9-87367004-A-G.
Other names: c.1396+4A>G (NM_001369532.1, NM_001369533.1, NM_001018066.3 and 15 more transcripts); c.1357+4A>G (NM_001291937.2, NM_001369546.1); c.1360+4A>G (NM_001369534.1); c.928+4A>G (NM_001369536.1, NM_001369535.1, NM_001369550.1 and 2 more transcripts).
Identifiers: ClinVar variation 4998385 (VCV004998385.1).

ClinVar aggregate classification (germline): Uncertain significance (1 of 4 stars; one submission).

Conditions:
NTRK2-related disorder. Also called: NTRK2-related condition.

gnomAD v4.1: 7 of 1,611,636 alleles (0.00043%); highest among the groups gnomAD compares: Non-Finnish European, 0.00059%; no homozygotes.

Submission:

PreventionGenetics, part of Exact Sciences
Classification: Uncertain significance for NTRK2-related condition. Last evaluated: 2026-08-18. Review status: criteria provided, single submitter. Criteria: ACMG Guidelines, 2015. Collection method: clinical testing. Allele origin: germline.
Comment: The NTRK2 c.1396+4A>G variant is predicted to interfere with splicing. which is not predicted to interfere with splicing based on available splicing prediction programs (SpliceAI, Jaganathan et al. 2019. PubMed ID: 30661751); however, the c.1396+3, +4, +5 position is part of the minimal donor splice region which is clinically relevant (Lord et al. 2019. PubMed ID: 30587507; Walker et al. 2023. PubMed ID: 37352859). To our knowledge, this variant has not been reported in the literature or in a large population database (gnomAD), indicating this variant is rare. At this time, the clinical significance of this variant is uncertain due to the absence of conclusive functional and genetic evidence.